The following is an entry in ClinVar:

ClinVar aggregate classification (germline): Uncertain significance. Review status: criteria provided, multiple submitters, no conflicts (2 of 4 stars). 2 submissions from 2 submitters: Uncertain significance (2). Last evaluated 2023-05-26.

Conditions:
Hereditary cancer-predisposing syndrome. Also called: Neoplastic Syndromes, Hereditary; Tumor predisposition; Hereditary neoplastic syndrome; Hereditary Cancer Syndrome. Identifiers: Orphanet 140162, MedGen C0027672, MeSH D009386, MONDO:0015356.

Allele frequency attached by ClinVar (database versions not stated): gnomAD exomes below 0.00001.
gnomAD v4.1: 1 of 1,613,558 alleles (0.000062%); highest among the groups gnomAD compares: Admixed American, 0.0017%; no homozygotes.

Submissions (2):

Quest Diagnostics Nichols Institute San Juan Capistrano
Classification: Uncertain significance. Last evaluated: 2023-05-26. Review status: criteria provided, single submitter. Criteria: Quest Diagnostics criteria. Collection method: clinical testing. Allele origin: unknown.
Comment: This variant has not been reported in the published literature. The frequency of this variant in the general population, 0.000004 (1/250956 chromosomes (Genome Aggregation Database)), is uninformative in the assessment of its pathogenicity. Analysis of this variant using bioinformatics tools for the prediction of the effect of amino acid changes on protein structure and function yielded conflicting predictions that this variant is benign or damaging. Based on the available information, we are unable to determine the clinical significance of this variant.

Ambry Genetics
Classification: Uncertain significance for Hereditary cancer-predisposing syndrome. Last evaluated: 2022-12-09. Review status: criteria provided, single submitter. Criteria: Ambry Variant Classification Scheme 2023. Collection method: clinical testing. Allele origin: germline.
Comment: The p.S281C variant (also known as c.841A>T), located in coding exon 9 of the BRCA1 gene, results from an A to T substitution at nucleotide position 841. The serine at codon 281 is replaced by cysteine, an amino acid with dissimilar properties. This amino acid position is well conserved in available vertebrate species. In addition, the in silico prediction for this alteration is inconclusive. Since supporting evidence is limited at this time, the clinical significance of this alteration remains unclear.

NM_007294.4(BRCA1):c.841A>T (p.Ser281Cys)

Gene: BRCA1 (BRCA1 DNA repair associated; minus strand). Cytogenetic location: 17q21.31.
Variant type: single nucleotide variant.
Coding change: c.841A>T on transcript NM_007294.4 (MANE Select); coding-DNA position 841, A replaced by T.
Protein change: p.Ser281Cys; replaces serine 281 with cysteine.
Molecular consequence: missense variant. On other transcripts: 5 prime UTR variant (2), intron variant (137).
Genome position (GRCh38, 1-based): chr17:43,094,690, T>A on the plus strand (A>T on the coding strand, the complement: BRCA1 is on the minus strand). VCF-style: chr17-43094690-T-A. GRCh37 (hg19) VCF-style: chr17-41246707-T-A.
Other names: c.832A>T, p.Ser278Cys (NM_001407646.1, NM_001407647.1); c.631A>T, p.Ser211Cys (NM_001407902.1, NM_001407904.1, NM_001407906.1 and 13 more transcripts); c.718A>T, p.Ser240Cys (NM_001407648.1, NM_001407664.1, NM_001407665.1 and 19 more transcripts); c.715A>T, p.Ser239Cys (NM_001407649.1, NM_001407670.1, NM_001407671.1 and 11 more transcripts); c.763A>T, p.Ser255Cys (NM_001407654.1, NM_001407653.1, NM_001407663.1 and 4 more transcripts); c.841A>T, p.Ser281Cys (NM_001407652.1, NM_001407684.1, NM_001407854.1 and 30 more transcripts); c.628A>T, p.Ser210Cys (NM_001407916.1, NM_001407917.1, NM_001407915.1 and 9 more transcripts); c.760A>T, p.Ser254Cys (NM_001407659.1, NM_001407660.1, NM_001407661.1 and 1 more transcripts); and 40 more; short protein forms S154C, S192C, S210C, S254C, S280C, S214C, S233C, S234C.
Identifiers: ClinVar variation 2450671 (VCV002450671.3), dbSNP rs1300771163, ClinGen allele CA10600401.